The following is an entry in ClinVar:

NM_000460.4(THPO):c.247G>A (p.Asp83Asn)

Gene: THPO (thrombopoietin; minus strand). Cytogenetic location: 3q27.1.
Variant type: single nucleotide variant.
Coding change: c.247G>A on transcript NM_000460.4 (MANE Select); coding-DNA position 247, G replaced by A.
Protein change: p.Asp83Asn; replaces aspartic acid 83 with asparagine.
Molecular consequence: missense variant.
Genome position (GRCh38, 1-based): chr3:184,373,564, C>T on the plus strand (G>A on the coding strand, the complement: THPO is on the minus strand). VCF-style: chr3-184373564-C-T. GRCh37 (hg19) VCF-style: chr3-184091352-C-T.
Other names: c.247G>A, p.Asp83Asn (LRG_580t1, NM_001177597.2, NM_001177598.2 and 6 more transcripts); c.667G>A, p.Asp223Asn (NM_001290003.1); short protein forms D83N, D223N.
Identifiers: ClinVar variation 372983 (VCV000372983.1), dbSNP rs1005731602, ClinGen allele CA16042502.

ClinVar aggregate classification (germline): Likely pathogenic (1 of 4 stars; one submission).

Allele frequency attached by ClinVar (database versions not stated): gnomAD exomes 0.00001.

Submission:

GeneDx
Classification: Likely pathogenic. Last evaluated: 2016-06-22. Review status: criteria provided, single submitter. Criteria: GeneDx Variant Classification (06012015). Collection method: clinical testing. Allele origin: germline. Affected: yes.
Comment: The D83N variant in the THPO gene has not been reported previously as a pathogenic variant, nor as a benign variant, to our knowledge. The D83N variant was not observed in approximately 6,500 individuals of European and African American ancestry in the NHLBI Exome Sequencing Project, indicating it is not a common benign variant in these populations. The D83N variant is a semi-conservative amino acid substitution, which may impact secondary protein structure as these residues differ in some properties. This substitution occurs at a position that is not conserved. However, in silico analysis predicts this variant is probably damaging to the protein structure/function. Therefore, we interpret D83N as a likely pathogenic variant.